The following is an entry in ClinVar:

ClinVar aggregate classification (germline): Uncertain significance (1 of 4 stars; one submission).

Conditions:
Autosomal recessive limb-girdle muscular dystrophy type 2L (LGMDR12). Also called: MUSCULAR DYSTROPHY, LIMB-GIRDLE, AUTOSOMAL RECESSIVE 12; Limb-girdle muscular dystrophy, type 2L; Limb-Girdle Muscular Dystrophy R12 Anoctamin-5-Related (LGMD-R12). Identifiers: Orphanet 206549, MedGen C1969785, MONDO:0012652, OMIM 611307.
Gnathodiaphyseal dysplasia (GDD). Also called: GNATHODIAPHYSEAL SCLEROSIS; OSTEOGENESIS IMPERFECTA WITH UNUSUAL SKELETAL LESIONS. Identifiers: Orphanet 53697, MedGen C1833736, MONDO:0008151, OMIM 166260.

Submission:

Labcorp Genetics (formerly Invitae), Labcorp
Classification: Uncertain significance for Limb-girdle muscular dystrophy, type 2L; Gnathodiaphyseal dysplasia. Last evaluated: 2018-01-16. Review status: criteria provided, single submitter. Criteria: Invitae Variant Classification Sherloc (09022015). Collection method: clinical testing. Allele origin: germline.
Comment: This sequence change replaces arginine with leucine at codon 58 of the ANO5 protein (p.Arg58Leu). The arginine residue is moderately conserved and there is a moderate physicochemical difference between arginine and leucine. This variant is not present in population databases (ExAC no frequency). This variant has not been reported in the literature in individuals with ANO5-related disease. Algorithms developed to predict the effect of missense changes on protein structure and function do not agree on the potential impact of this missense change (SIFT: "Tolerated"; PolyPhen-2: "Possibly Damaging"; Align-GVGD: "Class C0"). A different missense substitution at this codon (p.Arg58Trp) has been determined to be pathogenic (PMID: 23670307, 25891276, 22499103, 27854218, 23041008). This suggests that the arginine residue is critical for ANO5 protein function and that other missense substitutions at this position may also be pathogenic. In summary, the available evidence is currently insufficient to determine the role of this variant in disease. Therefore, it has been classified as a Variant of Uncertain Significance.

Literature cited by the submitters: PubMed 23670307; PubMed 25891276; PubMed 22499103; PubMed 27854218; PubMed 23041008.

NM_213599.3(ANO5):c.173G>T (p.Arg58Leu)

Gene: ANO5 (anoctamin 5; plus strand). Cytogenetic location: 11p14.3.
Variant type: single nucleotide variant.
Coding change: c.173G>T on transcript NM_213599.3 (MANE Select); coding-DNA position 173, G replaced by T.
Protein change: p.Arg58Leu; replaces arginine 58 with leucine.
Molecular consequence: missense variant.
Genome position (GRCh38, 1-based): chr11:22,218,280, G>T. VCF-style: chr11-22218280-G-T. GRCh37 (hg19) VCF-style: chr11-22239826-G-T.
Other names: c.170G>T, p.Arg57Leu (NM_001142649.2); short protein forms R58L, R57L.
Identifiers: ClinVar variation 568212 (VCV000568212.1), dbSNP rs749698519, ClinGen allele CA379924813.